The following is an entry in ClinVar:

ClinVar aggregate classification (germline): Uncertain significance (1 of 4 stars; one submission).

Submission:

Women's Health and Genetics/Laboratory Corporation of America, LabCorp
Classification: Uncertain significance. Last evaluated: 2025-03-28. Review status: criteria provided, single submitter. Criteria: LabCorp Variant Classification Summary - May 2015. Collection method: clinical testing. Allele origin: germline.
Comment: Variant summary: The variant involves the duplication of exons 1-3 in the LYRM7 gene. A presumed nomenclature of c.(?_-78)_(162+1_163-1)dup has been designated for the purposes of this classification. The exact breakpoint at the 5' end of this variant is unknown, therefore this duplication may extend upstream of the annotated region of this gene. It is predicted to duplicate a segment including the initiation codon, therefore its impact on the encoded protein is unknown. The variant was absent in 21228 control chromosomes in the gnomAD database (Structural Variants v2.1 dataset). The available data on variant occurrences in the general population are insufficient to allow any conclusion about variant significance. To our knowledge, no occurrence of exon 1-3 duplication in individuals affected with Mitochondrial Complex III Deficiency Nuclear Type 8 and no experimental evidence demonstrating its impact on protein function have been reported. No submitters have cited clinical-significance assessments for this variant to ClinVar. Based on the evidence outlined above, the variant was classified as uncertain significance.

NC_000005.9:g.(?_130506636)_(130517993_130522720)dup

Gene: LYRM7 (LYR motif containing 7; plus strand). Cytogenetic location: 5q23.3.
Variant type: Duplication.
Identifiers: ClinVar variation 3895890 (VCV003895890.1).